The following is an entry in ClinVar:

NM_000481.4(AMT):c.158C>T (p.Ala53Val)

Gene: AMT (aminomethyltransferase; minus strand). Cytogenetic location: 3p21.31.
Variant type: single nucleotide variant.
Coding change: c.158C>T on transcript NM_000481.4 (MANE Select); coding-DNA position 158, C replaced by T.
Protein change: p.Ala53Val; replaces alanine 53 with valine.
Molecular consequence: missense variant. On other transcripts: non-coding transcript variant (1), intron variant (1).
Genome position (GRCh38, 1-based): chr3:49,422,204, G>A on the plus strand (C>T on the coding strand, the complement: AMT is on the minus strand). VCF-style: chr3-49422204-G-A. GRCh37 (hg19) VCF-style: chr3-49459637-G-A.
Other names: c.158C>T, p.Ala53Val (NM_001164710.2, NM_001164712.2); c.90+157C>T (NM_001164711.2); short protein forms A53V.
Identifiers: ClinVar variation 838601 (VCV000838601.10), dbSNP rs746916262, ClinGen allele CA2398461.

ClinVar aggregate classification (germline): Uncertain significance. Review status: criteria provided, single submitter (1 of 4 stars). 2 submissions from 2 submitters: Uncertain significance (1). 1 of the submissions does not count toward it. Last evaluated 2019-01-01.

Conditions:
Glycine encephalopathy. Also called: Nonketotic hyperglycinemia; Non-ketotic hyperglycinemia. Identifiers: Orphanet 407, MedGen C0751748, MONDO:0011612, HP:0008288.

Allele frequency attached by ClinVar (database versions not stated): ExAC 0.00001; gnomAD 0.00001; gnomAD exomes below 0.00001; TOPMed below 0.00001.

Submissions (2):

Labcorp Genetics (formerly Invitae), Labcorp
Classification: Uncertain significance for Glycine encephalopathy. Last evaluated: 2019-01-01. Review status: criteria provided, single submitter. Criteria: Invitae Variant Classification Sherloc (09022015). Collection method: clinical testing. Allele origin: germline.
Comment: This variant is present in population databases (rs746916262, ExAC 0.01%). This sequence change replaces alanine with valine at codon 53 of the AMT protein (p.Ala53Val). The alanine residue is moderately conserved and there is a small physicochemical difference between alanine and valine. This variant has not been reported in the literature in individuals with AMT-related conditions. In summary, the available evidence is currently insufficient to determine the role of this variant in disease. Therefore, it has been classified as a Variant of Uncertain Significance. Algorithms developed to predict the effect of missense changes on protein structure and function are either unavailable or do not agree on the potential impact of this missense change (SIFT: "Deleterious"; PolyPhen-2: "Possibly Damaging"; Align-GVGD: "Class C0").

Natera, Inc.
Classification: Uncertain significance for Non-ketotic hyperglycinemia. Last evaluated: 2020-04-01. Review status: no assertion criteria provided. Collection method: clinical testing. Allele origin: germline. Not counted in ClinVar's aggregate classification.